The following is an entry in ClinVar:

NM_001195263.2(PDZD7):c.2142C>G (p.Ile714Met)

Gene: PDZD7 (PDZ domain containing 7; minus strand). Cytogenetic location: 10q24.31.
Variant type: single nucleotide variant.
Coding change: c.2142C>G on transcript NM_001195263.2 (MANE Select); coding-DNA position 2142, C replaced by G.
Protein change: p.Ile714Met; replaces isoleucine 714 with methionine.
Molecular consequence: missense variant.
Genome position (GRCh38, 1-based): chr10:101,010,747, G>C on the plus strand (C>G on the coding strand, the complement: PDZD7 is on the minus strand). VCF-style: chr10-101010747-G-C. GRCh37 (hg19) VCF-style: chr10-102770504-G-C.
Other names: short protein forms I714M.
Identifiers: ClinVar variation 1465593 (VCV001465593.8), dbSNP rs1367414369, ClinGen allele CA378225123.
Genomic context (GRCh38, chr10:101,010,747, plus strand): 5'-GGGTGTGCAGGCAATTCGGAGGGGGGTGAAGGCATCTACTGGCACGTCTTGTAGAGGGGG[G>C]ATCCCTTTATGGGGGTGGCGAGGGGCAGAGGCACTTGGGGAGACCTTGAGGGCCCCCAGC-3'
Protein context (NP_001182192.1, residues 704-724): ASAPRHPHKG[Ile714Met]PPLQDVPVDA

ClinVar aggregate classification (germline): Uncertain significance (1 of 4 stars; one submission).

Allele frequency attached by ClinVar (database versions not stated): TOPMed below 0.00001.

Submission:

Labcorp Genetics (formerly Invitae), Labcorp
Classification: Uncertain significance. Last evaluated: 2022-03-10. Review status: criteria provided, single submitter. Criteria: Invitae Variant Classification Sherloc (09022015). Collection method: clinical testing. Allele origin: germline.
Comment: This sequence change replaces isoleucine, which is neutral and non-polar, with methionine, which is neutral and non-polar, at codon 714 of the PDZD7 protein (p.Ile714Met). This variant is not present in population databases (gnomAD no frequency). This variant has not been reported in the literature in individuals affected with PDZD7-related conditions. Algorithms developed to predict the effect of missense changes on protein structure and function are either unavailable or do not agree on the potential impact of this missense change (SIFT: "Tolerated"; PolyPhen-2: "Not Available"; Align-GVGD: "Class C0"). In summary, the available evidence is currently insufficient to determine the role of this variant in disease. Therefore, it has been classified as a Variant of Uncertain Significance.